The following is an entry in ClinVar:

NM_000836.4(GRIN2D):c.2566A>C (p.Met856Leu)

Gene: GRIN2D (glutamate ionotropic receptor NMDA type subunit 2D; plus strand). Cytogenetic location: 19q13.33.
Variant type: single nucleotide variant.
Coding change: c.2566A>C on transcript NM_000836.4 (MANE Select); coding-DNA position 2566, A replaced by C.
Protein change: p.Met856Leu; replaces methionine 856 with leucine.
Molecular consequence: missense variant.
Genome position (GRCh38, 1-based): chr19:48,442,275, A>C. VCF-style: chr19-48442275-A-C. GRCh37 (hg19) VCF-style: chr19-48945532-A-C.
Other names: short protein forms M856L.
Identifiers: ClinVar variation 2718885 (VCV002718885.3), dbSNP rs2513691164, ClinGen allele CA406670301.

ClinVar aggregate classification (germline): Uncertain significance (1 of 4 stars; one submission).

Submission:

Labcorp Genetics (formerly Invitae), Labcorp
Classification: Uncertain significance. Last evaluated: 2023-10-03. Review status: criteria provided, single submitter. Criteria: Invitae Variant Classification Sherloc (09022015). Collection method: clinical testing. Allele origin: germline.
Comment: This sequence change replaces methionine, which is neutral and non-polar, with leucine, which is neutral and non-polar, at codon 856 of the GRIN2D protein (p.Met856Leu). This variant is not present in population databases (gnomAD no frequency). This variant has not been reported in the literature in individuals affected with GRIN2D-related conditions. Advanced modeling of protein sequence and biophysical properties (such as structural, functional, and spatial information, amino acid conservation, physicochemical variation, residue mobility, and thermodynamic stability) performed at Invitae indicates that this missense variant is not expected to disrupt GRIN2D protein function. In summary, the available evidence is currently insufficient to determine the role of this variant in disease. Therefore, it has been classified as a Variant of Uncertain Significance.